The following is an entry in ClinVar:

ClinVar aggregate classification (germline): Uncertain significance (1 of 4 stars; one submission).

gnomAD v4.1: 1 of 1,586,422 alleles (0.000063%); highest among the groups gnomAD compares: Non-Finnish European, 0.000085%; no homozygotes.

Submission:

Ambry Genetics
Classification: Uncertain significance. Last evaluated: 2025-01-22. Review status: criteria provided, single submitter. Criteria: Ambry Variant Classification Scheme 2023. Collection method: clinical testing. Allele origin: germline.
Comment: The p.P993S variant (also known as c.2977C>T), located in coding exon 11 of the WNK2 gene, results from a C to T substitution at nucleotide position 2977. The proline at codon 993 is replaced by serine, an amino acid with similar properties. This amino acid position is conserved. In addition, this alteration is predicted to be tolerated by in silico analysis. Based on the available evidence, the clinical significance of this variant remains unclear.

NM_006648.4(WNK2):c.2977C>T (p.Pro993Ser)

Gene: WNK2 (WNK lysine deficient protein kinase 2; plus strand). Cytogenetic location: 9q22.31.
Variant type: single nucleotide variant.
Coding change: c.2977C>T on transcript NM_006648.4 (MANE Select); coding-DNA position 2977, C replaced by T.
Protein change: p.Pro993Ser; replaces proline 993 with serine.
Molecular consequence: missense variant.
Genome position (GRCh38, 1-based): chr9:93,259,525, C>T. VCF-style: chr9-93259525-C-T. GRCh37 (hg19) VCF-style: chr9-96021807-C-T.
Other names: c.2977C>T, p.Pro993Ser (NM_001282394.3); short protein forms P993S.
Identifiers: ClinVar variation 3816897 (VCV003816897.1).